The following is an entry in ClinVar:

ClinVar aggregate classification (germline): Likely pathogenic (1 of 4 stars; one submission).

Conditions:
Primary ciliary dyskinesia 3. Identifiers: Orphanet 244, MedGen C1837618, MONDO:0012085, OMIM 608644.

Submission:

Myriad Genetics, Inc.
Classification: Likely pathogenic for Primary ciliary dyskinesia 3. Last evaluated: 2022-02-22. Review status: criteria provided, single submitter. Criteria: Myriad Women's Health Autosomal Recessive and X-Linked Classification Criteria (2021). Collection method: clinical testing. Allele origin: unknown.
Comment: NM_001369.2(DNAH5):c.2278C>T(Q760*) is expected to be pathogenic in the context of DNAH5-related primary ciliary dyskinesia. This variant is predicted to lead to an abnormal or absent protein product due to the creation of a premature termination codon in DNAH5, a gene where loss-of-function variants are known to be pathogenic. Please note: this variant was assessed in the context of healthy population screening.

NM_001369.3(DNAH5):c.2278C>T (p.Gln760Ter)

Genes: DNAH5-AS1 (DNAH5 antisense RNA 1; plus strand), DNAH5 (dynein axonemal heavy chain 5; minus strand). Cytogenetic location: 5p15.2.
Variant type: single nucleotide variant.
Coding change: c.2278C>T on transcript NM_001369.3 (MANE Select); coding-DNA position 2278, C replaced by T.
Protein change: p.Gln760Ter; replaces glutamine 760 with a stop codon.
Molecular consequence: nonsense.
Genome position (GRCh38, 1-based): chr5:13,894,803, G>A on the plus strand (C>T on the coding strand, the complement: DNAH5 is on the minus strand). VCF-style: chr5-13894803-G-A. GRCh37 (hg19) VCF-style: chr5-13894912-G-A.
Other names: short protein forms Q760*.
Identifiers: ClinVar variation 1724628 (VCV001724628.2), dbSNP rs2547069104, ClinGen allele CA359201353.